The following is an entry in ClinVar:

NM_000454.5(SOD1):c.278A>T (p.Asp93Val)

Gene: SOD1 (superoxide dismutase 1; plus strand). Cytogenetic location: 21q22.11.
Variant type: single nucleotide variant.
Coding change: c.278A>T on transcript NM_000454.5 (MANE Select); coding-DNA position 278, A replaced by T.
Protein change: p.Asp93Val; replaces aspartic acid 93 with valine.
Molecular consequence: missense variant.
Genome position (GRCh38, 1-based): chr21:31,667,296, A>T. VCF-style: chr21-31667296-A-T. GRCh37 (hg19) VCF-style: chr21-33039609-A-T.
Other names: short protein forms D93V.
Identifiers: ClinVar variation 2817285 (VCV002817285.3), dbSNP rs774994509, ClinGen allele CA410037454.

ClinVar aggregate classification (germline): Uncertain significance (1 of 4 stars; one submission).

Conditions:
Amyotrophic lateral sclerosis type 1 (ALS1). Also called: AMYOTROPHIC LATERAL SCLEROSIS 1, FAMILIAL. Identifiers: Orphanet 803, MedGen C1862939, MONDO:0007103, OMIM 105400.

Submission:

Labcorp Genetics (formerly Invitae), Labcorp
Classification: Uncertain significance for Amyotrophic lateral sclerosis type 1. Last evaluated: 2022-11-29. Review status: criteria provided, single submitter. Criteria: Invitae Variant Classification Sherloc (09022015). Collection method: clinical testing. Allele origin: germline.
Comment: This sequence change replaces aspartic acid, which is acidic and polar, with valine, which is neutral and non-polar, at codon 93 of the SOD1 protein (p.Asp93Val). This variant is not present in population databases (gnomAD no frequency). This missense change has been observed in individual(s) with clinical features of autosomal dominant amyotrophic lateral sclerosis (Invitae). Advanced modeling of protein sequence and biophysical properties (such as structural, functional, and spatial information, amino acid conservation, physicochemical variation, residue mobility, and thermodynamic stability) performed at Invitae indicates that this missense variant is expected to disrupt SOD1 protein function. In summary, the available evidence is currently insufficient to determine the role of this variant in disease. Therefore, it has been classified as a Variant of Uncertain Significance.